The following is an entry in ClinVar:

NM_014391.3(ANKRD1):c.552+6T>C

Gene: ANKRD1 (ankyrin repeat domain 1; minus strand). Cytogenetic location: 10q23.31.
Variant type: single nucleotide variant.
Coding change: c.552+6T>C on transcript NM_014391.3 (MANE Select); 6 bases into the intron after coding-DNA position 552, T replaced by C.
Molecular consequence: intron variant.
Genome position (GRCh38, 1-based): chr10:90,917,726, A>G on the plus strand (T>C on the coding strand, the complement: ANKRD1 is on the minus strand). VCF-style: chr10-90917726-A-G. GRCh37 (hg19) VCF-style: chr10-92677483-A-G.
Identifiers: ClinVar variation 3015065 (VCV003015065.3), dbSNP rs1400202118, ClinGen allele CA594974131.

ClinVar aggregate classification (germline): Uncertain significance (1 of 4 stars; one submission).

Conditions:
ANKRD1-related dilated cardiomyopathy. Identifiers: MedGen CN119551.

Allele frequency attached by ClinVar (database versions not stated): gnomAD exomes below 0.00001; gnomAD 0.00001.

Submission:

Labcorp Genetics (formerly Invitae), Labcorp
Classification: Uncertain significance for ANKRD1-related dilated cardiomyopathy. Last evaluated: 2023-08-06. Review status: criteria provided, single submitter. Criteria: Invitae Variant Classification Sherloc (09022015). Collection method: clinical testing. Allele origin: germline.
Comment: This variant has not been reported in the literature in individuals affected with ANKRD1-related conditions. In summary, the available evidence is currently insufficient to determine the role of this variant in disease. Therefore, it has been classified as a Variant of Uncertain Significance. Variants that disrupt the consensus splice site are a relatively common cause of aberrant splicing (PMID: 17576681, 9536098). Algorithms developed to predict the effect of sequence changes on RNA splicing suggest that this variant is not likely to affect RNA splicing. This variant is present in population databases (no rsID available, gnomAD 0.006%). This sequence change falls in intron 5 of the ANKRD1 gene. It does not directly change the encoded amino acid sequence of the ANKRD1 protein. It affects a nucleotide within the consensus splice site.

Literature cited by the submitters: PubMed 17576681; PubMed 9536098.